The following is an entry in ClinVar:

ClinVar aggregate classification (germline): Likely benign. Review status: criteria provided, multiple submitters, no conflicts (2 of 4 stars). 3 submissions from 3 submitters: Likely benign (3). Last evaluated 2026-04-27.

Conditions:
TRRAP-related disorder. Also called: TRRAP-related condition.
Inborn genetic diseases. Identifiers: MedGen C0950123, MeSH D030342.

Allele frequency attached by ClinVar (database versions not stated): gnomAD exomes 0.00001; gnomAD 0.00004; ExAC 0.00005; TOPMed 0.00005.
gnomAD v4.1: 34 of 1,613,934 alleles (0.0021%); highest among the groups gnomAD compares: East Asian, 0.02%; 1 homozygote.

Submissions (3):

PreventionGenetics, part of Exact Sciences
Classification: Likely benign for TRRAP-related condition. Last evaluated: 2026-04-27. Review status: criteria provided, single submitter. Criteria: ACMG Guidelines, 2015. Collection method: clinical testing. Allele origin: germline.
Comment: This variant is classified as likely benign based on ACMG/AMP sequence variant interpretation guidelines (Richards et al. 2015 PMID: 25741868, with internal and published modifications).

Labcorp Genetics (formerly Invitae), Labcorp
Classification: Likely benign. Last evaluated: 2025-10-20. Review status: criteria provided, single submitter. Criteria: Invitae Variant Classification Sherloc (09022015). Collection method: clinical testing. Allele origin: germline.

Ambry Genetics
Classification: Likely benign for Inborn genetic diseases. Last evaluated: 2023-06-02. Review status: criteria provided, single submitter. Criteria: Ambry Variant Classification Scheme 2023. Collection method: clinical testing. Allele origin: germline.

NM_001375524.1(TRRAP):c.7454C>T (p.Thr2485Ile)

Gene: TRRAP (transformation/transcription domain associated protein; plus strand). Cytogenetic location: 7q22.1.
Variant type: single nucleotide variant.
Coding change: c.7454C>T on transcript NM_001375524.1 (MANE Select); coding-DNA position 7454, C replaced by T.
Protein change: p.Thr2485Ile; replaces threonine 2485 with isoleucine.
Molecular consequence: missense variant.
Genome position (GRCh38, 1-based): chr7:98,967,640, C>T. VCF-style: chr7-98967640-C-T. GRCh37 (hg19) VCF-style: chr7-98565263-C-T.
Other names: c.7433C>T, p.Thr2478Ile (NM_001244580.2); c.7379C>T, p.Thr2460Ile (NM_003496.4); c.7433C>T (NM_001244580.1); c.7379C>T (NM_003496.3); short protein forms T2460I, T2478I, T2485I.
Identifiers: ClinVar variation 2158635 (VCV002158635.7), dbSNP rs368775774, ClinGen allele CA4361146.